The following is an entry in ClinVar:

ClinVar aggregate classification (germline): Uncertain significance (1 of 4 stars; one submission).

Conditions:
Cardiac arrhythmia. Also called: Cardiac rhythm disease; Arrhythmia. Identifiers: MedGen C0003811, MONDO:0007263, HP:0011675.

gnomAD v4.1: 17 of 1,612,702 alleles (0.0011%); highest among the groups gnomAD compares: Non-Finnish European, 0.0014%; no homozygotes.

Submission:

Labcorp Genetics (formerly Invitae), Labcorp
Classification: Uncertain significance for Cardiac arrhythmia. Last evaluated: 2024-09-26. Review status: criteria provided, single submitter. Criteria: Invitae Variant Classification Sherloc (09022015). Collection method: clinical testing. Allele origin: germline.
Comment: This sequence change replaces asparagine, which is neutral and polar, with lysine, which is basic and polar, at codon 143 of the RANGRF protein (p.Asn143Lys). This variant is not present in population databases (gnomAD no frequency). This variant has not been reported in the literature in individuals affected with RANGRF-related conditions. An algorithm developed to predict the effect of missense changes on protein structure and function (PolyPhen-2) suggests that this variant is likely to be disruptive. In summary, the available evidence is currently insufficient to determine the role of this variant in disease. Therefore, it has been classified as a Variant of Uncertain Significance.

NM_016492.5(RANGRF):c.429T>A (p.Asn143Lys)

Genes: RANGRF (RAN guanine nucleotide release factor; plus strand), SLC25A35 (solute carrier family 25 member 35; minus strand). Cytogenetic location: 17p13.1.
Variant type: single nucleotide variant.
Coding change: c.429T>A on transcript NM_016492.5 (MANE Select); coding-DNA position 429, T replaced by A.
Protein change: p.Asn143Lys; replaces asparagine 143 with lysine.
Molecular consequence: missense variant. On other transcripts: 3 prime UTR variant (4), non-coding transcript variant (2), intron variant (1).
Genome position (GRCh38, 1-based): chr17:8,289,580, T>A. VCF-style: chr17-8289580-T-A. GRCh37 (hg19) VCF-style: chr17-8192898-T-A.
Other names: c.429T>A, p.Asn143Lys (NM_001177801.2); c.*19T>A (NM_001177802.2); c.*36A>T (NM_001320871.2, NM_001320872.2, NM_201520.3); c.351+166T>A (NM_001330127.2); short protein forms N143K.
Identifiers: ClinVar variation 3703579 (VCV003703579.2).